The following is an entry in ClinVar:

ClinVar aggregate classification (germline): Uncertain significance (1 of 4 stars; one submission).

Submission:

CeGaT Center for Human Genetics Tuebingen
Classification: Uncertain significance. Last evaluated: 2025-02-01. Review status: criteria provided, single submitter. Criteria: CeGaT Center For Human Genetics Tuebingen Variant Classification Criteria Version 2. Collection method: clinical testing. Allele origin: germline. Affected: yes. Observed: 1 variant allele.
Comment: BNC2: PM2, BP4

NM_017637.6(BNC2):c.2801A>T (p.Asp934Val)

Gene: BNC2 (basonuclin zinc finger protein 2; minus strand). Cytogenetic location: 9p22.3.
Variant type: single nucleotide variant.
Coding change: c.2801A>T on transcript NM_017637.6 (MANE Select); coding-DNA position 2801, A replaced by T.
Protein change: p.Asp934Val; replaces aspartic acid 934 with valine.
Molecular consequence: missense variant. On other transcripts: 3 prime UTR variant (1).
Genome position (GRCh38, 1-based): chr9:16,419,488, T>A on the plus strand (A>T on the coding strand, the complement: BNC2 is on the minus strand). VCF-style: chr9-16419488-T-A. GRCh37 (hg19) VCF-style: chr9-16419486-T-A.
Other names: c.*145A>T (NM_001317939.2); c.2516A>T, p.Asp839Val (NM_001317940.2); short protein forms D839V, D934V.
Identifiers: ClinVar variation 3771808 (VCV003771808.13).